The following is an entry in ClinVar:

NM_000593.6(TAP1):c.924G>A (p.Trp308Ter)

Gene: TAP1 (transporter 1, ATP binding cassette subfamily B member; minus strand). Cytogenetic location: 6p21.32.
Variant type: single nucleotide variant.
Coding change: c.924G>A on transcript NM_000593.6 (MANE Select); coding-DNA position 924, G replaced by A.
Protein change: p.Trp308Ter; replaces tryptophan 308 with a stop codon.
Molecular consequence: nonsense.
Genome position (GRCh38, 1-based): chr6:32,851,070, C>T on the plus strand (G>A on the coding strand, the complement: TAP1 is on the minus strand). VCF-style: chr6-32851070-C-T. GRCh37 (hg19) VCF-style: chr6-32818847-C-T.
Other names: c.321G>A, p.Trp107Ter (NM_001292022.2); short protein forms W107*, W308*.
Identifiers: ClinVar variation 4731139 (VCV004731139.1).

ClinVar aggregate classification (germline): Pathogenic (1 of 4 stars; one submission).

Conditions:
MHC class I deficiency. Identifiers: Orphanet 34592, MedGen C6024714, MONDO:0011476.

Submission:

Labcorp Genetics (formerly Invitae), Labcorp
Classification: Pathogenic for MHC class I deficiency 1. Last evaluated: 2025-11-12. Review status: criteria provided, single submitter. Criteria: Invitae Variant Classification Sherloc (09022015). Collection method: clinical testing. Allele origin: germline.
Comment: This sequence change creates a premature translational stop signal (p.Trp368*) in the TAP1 gene. It is expected to result in an absent or disrupted protein product. Loss-of-function variants in TAP1 are known to be pathogenic (PMID: 10074494, 10074495). This variant is not present in population databases (gnomAD no frequency). This variant has not been reported in the literature in individuals affected with TAP1-related conditions. For these reasons, this variant has been classified as Pathogenic.

Literature cited by the submitters: PubMed 10074494; PubMed 10074495.